The following is an entry in ClinVar:

NM_000256.3(MYBPC3):c.1340T>G (p.Leu447Arg)

Gene: MYBPC3 (myosin binding protein C3; minus strand). Cytogenetic location: 11p11.2.
Variant type: single nucleotide variant.
Coding change: c.1340T>G on transcript NM_000256.3 (MANE Select); coding-DNA position 1340, T replaced by G.
Protein change: p.Leu447Arg; replaces leucine 447 with arginine.
Molecular consequence: missense variant.
Genome position (GRCh38, 1-based): chr11:47,343,032, A>C on the plus strand (T>G on the coding strand, the complement: MYBPC3 is on the minus strand). VCF-style: chr11-47343032-A-C. GRCh37 (hg19) VCF-style: chr11-47364583-A-C.
Other names: short protein forms L447R.
Identifiers: ClinVar variation 2891020 (VCV002891020.3), dbSNP rs2495763993, ClinGen allele CA380326739.
Genomic context (GRCh38, chr11:47,343,032, plus strand): 5'-TGAGGCCATCTCCTCCCCAGGTTCCCACATCCTCAGGTCCCAGGCCCACCTTTCACAAAG[A>C]GCTCCGTGCTACACTTCTCGCCACCCACCACGCACTGGTAGGCTGCGTCGTCCGCCAATG-3'
Protein context (NP_000247.2, residues 437-457): VVGGEKCSTE[Leu447Arg]FVKEPPVLIT

ClinVar aggregate classification (germline): Uncertain significance (1 of 4 stars; one submission).

Conditions:
Hypertrophic cardiomyopathy. Also called: HYPERTROPHIC MYOCARDIOPATHY. Identifiers: Orphanet 217569, MedGen C0007194, MeSH D002312, MONDO:0005045, HP:0001639.

Submission:

Labcorp Genetics (formerly Invitae), Labcorp
Classification: Uncertain significance for Hypertrophic cardiomyopathy. Last evaluated: 2022-12-16. Review status: criteria provided, single submitter. Criteria: Invitae Variant Classification Sherloc (09022015). Collection method: clinical testing. Allele origin: germline.
Comment: Algorithms developed to predict the effect of missense changes on protein structure and function are either unavailable or do not agree on the potential impact of this missense change (SIFT: "Deleterious"; PolyPhen-2: "Benign"; Align-GVGD: "Class C65"). This variant has not been reported in the literature in individuals affected with MYBPC3-related conditions. This variant is not present in population databases (gnomAD no frequency). This sequence change replaces leucine, which is neutral and non-polar, with arginine, which is basic and polar, at codon 447 of the MYBPC3 protein (p.Leu447Arg). In summary, the available evidence is currently insufficient to determine the role of this variant in disease. Therefore, it has been classified as a Variant of Uncertain Significance.